The following is an entry in ClinVar:

ClinVar aggregate classification (germline): Benign/Likely benign. Review status: criteria provided, multiple submitters, no conflicts (2 of 4 stars). 4 submissions from 4 submitters: Benign (1); Likely benign (2). 1 of the submissions does not count toward it. Last evaluated 2025-12-16.

Conditions:
TAF15-related disorder. Also called: TAF15-related condition.

Submissions (4):

Mayo Clinic Laboratories, Mayo Clinic
Classification: Likely benign. Last evaluated: 2025-12-16. Review status: criteria provided, single submitter. Criteria: ACMG Guidelines, 2015. Collection method: clinical testing. Allele origin: germline. Observed: 2 variant alleles.
Comment: BS2, BP4

CeGaT Center for Human Genetics Tuebingen
Classification: Benign. Last evaluated: 2024-07-01. Review status: criteria provided, single submitter. Criteria: CeGaT Center For Human Genetics Tuebingen Variant Classification Criteria Version 2. Collection method: clinical testing. Allele origin: germline. Affected: yes. Observed: 1 variant allele.
Comment: TAF15: BS1, BS2

GeneDx
Classification: Likely benign. Last evaluated: 2021-02-12. Review status: criteria provided, single submitter. Criteria: GeneDx Variant Classification Process June 2021. Collection method: clinical testing. Allele origin: germline. Affected: yes.

PreventionGenetics, part of Exact Sciences
Classification: Likely benign for TAF15-related condition. Last evaluated: 2021-03-05. Review status: no assertion criteria provided. Collection method: clinical testing. Allele origin: germline. Not counted in ClinVar's aggregate classification.
Comment: This variant is classified as likely benign based on ACMG/AMP sequence variant interpretation guidelines (Richards et al. 2015 PMID: 25741868, with internal and published modifications).

NM_139215.3(TAF15):c.1524_1544del (p.492GGYGGDR[4])

Gene: TAF15 (TATA-box binding protein associated factor 15; plus strand). Cytogenetic location: 17q12.
Variant type: Deletion.
Coding change: c.1524_1544del on transcript NM_139215.3 (MANE Select); coding-DNA positions 1524 to 1544, 21 bases deleted (CGGAGGAGATCGAGGAGGTTA).
Protein change: p.492GGYGGDR[4].
Molecular consequence: inframe deletion.
Genome position (GRCh38, 1-based): chr17:35,844,823-35,844,843, CGGAGGAGATCGAGGAGGTTA deleted; deleting any 21 consecutive bases within chr17:35,844,803-35,844,843 gives the same sequence; the c. name uses the placement nearest the transcript's 3' end. VCF-style (leftmost placement, unchanged base first): chr17-35844802-TGGAGGAGATCGAGGAGGTTAC-T. GRCh37 (hg19) VCF-style: chr17-34171806-TGGAGGAGATCGAGGAGGTTAC-T.
Other names: p.Gly520_Arg526del; c.1524_1544del21 (NM_139215.2); c.1515_1535del, p.489GGYGGDR[4] (NM_003487.4).
Identifiers: ClinVar variation 1198237 (VCV001198237.21), dbSNP rs760281454, ClinGen allele CA290041574.